The following is an entry in ClinVar:

NM_004656.4(BAP1):c.367A>T (p.Ser123Cys)

Gene: BAP1 (BRCA1 associated deubiquitinase 1; minus strand). Cytogenetic location: 3p21.1.
Variant type: single nucleotide variant.
Coding change: c.367A>T on transcript NM_004656.4 (MANE Select); coding-DNA position 367, A replaced by T.
Protein change: p.Ser123Cys; replaces serine 123 with cysteine.
Molecular consequence: missense variant.
Genome position (GRCh38, 1-based): chr3:52,407,966, T>A on the plus strand (A>T on the coding strand, the complement: BAP1 is on the minus strand). VCF-style: chr3-52407966-T-A. GRCh37 (hg19) VCF-style: chr3-52441982-T-A.
Other names: c.367A>T (NM_004656.2); short protein forms S123C.
Identifiers: ClinVar variation 650543 (VCV000650543.7), dbSNP rs1578227417, ClinGen allele CA353111692.

ClinVar aggregate classification (germline): Uncertain significance. Review status: criteria provided, multiple submitters, no conflicts (2 of 4 stars). 2 submissions from 2 submitters: Uncertain significance (2). Last evaluated 2023-01-05.

Conditions:
BAP1-related tumor predisposition syndrome (TPDS1). Also called: BAP1 tumor predisposition syndrome; Tumor susceptibility linked to germline BAP1 mutations; COMMON Syndrome; TUMOR PREDISPOSITION SYNDROME 1. Identifiers: Orphanet 289539, MedGen C3280492, MONDO:0013692, OMIM 614327.
Hereditary cancer-predisposing syndrome. Also called: Neoplastic Syndromes, Hereditary; Tumor predisposition; Hereditary Cancer Syndrome; Hereditary neoplastic syndrome. Identifiers: Orphanet 140162, MedGen C0027672, MeSH D009386, MONDO:0015356.

Allele frequency attached by ClinVar (database versions not stated): TOPMed below 0.00001.

Submissions (2):

Ambry Genetics
Classification: Uncertain significance for Hereditary cancer-predisposing syndrome. Last evaluated: 2023-01-05. Review status: criteria provided, single submitter. Criteria: Ambry Variant Classification Scheme 2023. Collection method: clinical testing. Allele origin: germline.
Comment: The p.S123C variant (also known as c.367A>T), located in coding exon 5 of the BAP1 gene, results from an A to T substitution at nucleotide position 367. The serine at codon 123 is replaced by cysteine, an amino acid with dissimilar properties. This amino acid position is conserved. In addition, this alteration is predicted to be tolerated by in silico analysis. Since supporting evidence is limited at this time, the clinical significance of this alteration remains unclear.

Labcorp Genetics (formerly Invitae), Labcorp
Classification: Uncertain significance for BAP1-related tumor predisposition syndrome. Last evaluated: 2018-09-06. Review status: criteria provided, single submitter. Criteria: Invitae Variant Classification Sherloc (09022015). Collection method: clinical testing. Allele origin: germline.
Comment: In summary, the available evidence is currently insufficient to determine the role of this variant in disease. Therefore, it has been classified as a Variant of Uncertain Significance. This sequence change replaces serine with cysteine at codon 123 of the BAP1 protein (p.Ser123Cys). The serine residue is highly conserved and there is a moderate physicochemical difference between serine and cysteine. This variant is not present in population databases (ExAC no frequency). This variant has not been reported in the literature in individuals with BAP1-related disease. Algorithms developed to predict the effect of missense changes on protein structure and function (SIFT, PolyPhen-2, Align-GVGD) all suggest that this variant is likely to be disruptive, but these predictions have not been confirmed by published functional studies and their clinical significance is uncertain.